The following is an entry in ClinVar:

NM_002878.4(RAD51D):c.652G>A (p.Gly218Ser)

Genes: RAD51L3-RFFL (RAD51L3-RFFL readthrough; minus strand), RAD51D (RAD51 paralog D; minus strand). Cytogenetic location: 17q12.
Variant type: single nucleotide variant.
Coding change: c.652G>A on transcript NM_002878.4 (MANE Select); coding-DNA position 652, G replaced by A.
Protein change: p.Gly218Ser; replaces glycine 218 with serine.
Molecular consequence: missense variant. On other transcripts: non-coding transcript variant (3).
Genome position (GRCh38, 1-based): chr17:35,103,469, C>T on the plus strand (G>A on the coding strand, the complement: RAD51D is on the minus strand). VCF-style: chr17-35103469-C-T. GRCh37 (hg19) VCF-style: chr17-33430488-C-T.
Other names: c.712G>A, p.Gly238Ser (NM_001142571.2); c.316G>A, p.Gly106Ser (NM_133629.3); short protein forms G106S, G218S, G238S.
Identifiers: ClinVar variation 1692734 (VCV001692734.3), dbSNP rs2142420350, ClinGen allele CA399087862.

ClinVar aggregate classification (germline): Uncertain significance. Review status: criteria provided, multiple submitters, no conflicts (2 of 4 stars). 3 submissions from 3 submitters: Uncertain significance (3). Last evaluated 2025-06-05.

Conditions:
Hereditary cancer-predisposing syndrome. Also called: Hereditary Cancer Syndrome; Hereditary neoplastic syndrome; Neoplastic Syndromes, Hereditary; Tumor predisposition. Identifiers: Orphanet 140162, MedGen C0027672, MeSH D009386, MONDO:0015356.
Breast-ovarian cancer, familial, susceptibility to, 4. Identifiers: Orphanet 145, MedGen C3280345, MONDO:0013669, OMIM 614291.

Submissions (3):

Labcorp Genetics (formerly Invitae), Labcorp
Classification: Uncertain significance for Breast-ovarian cancer, familial, susceptibility to, 4. Last evaluated: 2025-06-05. Review status: criteria provided, single submitter. Criteria: Invitae Variant Classification Sherloc (09022015). Collection method: clinical testing. Allele origin: germline.
Comment: This sequence change replaces glycine, which is neutral and non-polar, with serine, which is neutral and polar, at codon 218 of the RAD51D protein (p.Gly218Ser). This variant is not present in population databases (gnomAD no frequency). This variant has not been reported in the literature in individuals affected with RAD51D-related conditions. ClinVar contains an entry for this variant (Variation ID: 1692734). Invitae Evidence Modeling of protein sequence and biophysical properties (such as structural, functional, and spatial information, amino acid conservation, physicochemical variation, residue mobility, and thermodynamic stability) indicates that this missense variant is not expected to disrupt RAD51D protein function with a negative predictive value of 80%. In summary, the available evidence is currently insufficient to determine the role of this variant in disease. Therefore, it has been classified as a Variant of Uncertain Significance.

Ambry Genetics
Classification: Uncertain significance for Hereditary cancer-predisposing syndrome. Last evaluated: 2024-06-25. Review status: criteria provided, single submitter. Criteria: Ambry Variant Classification Scheme 2023. Collection method: clinical testing. Allele origin: germline.
Comment: The p.G218S variant (also known as c.652G>A), located in coding exon 7 of the RAD51D gene, results from a G to A substitution at nucleotide position 652. The glycine at codon 218 is replaced by serine, an amino acid with similar properties. This amino acid position is highly conserved in available vertebrate species. In addition, this alteration is predicted to be deleterious by in silico analysis. Based on the available evidence, the clinical significance of this variant remains unclear.

Sema4
Classification: Uncertain significance for Hereditary cancer-predisposing syndrome. Last evaluated: 2021-12-22. Review status: criteria provided, single submitter. Criteria: Sema4 Curation Guidelines. Collection method: curation. Allele origin: germline.
Comment: The RAD51D c.652G>A (p.G218S) variant has not been reported in the literature to our knowledge. It was not observed in the large and broad cohorts of the Genome Aggregation Database (PMID: 32461654), nor has it been reported in ClinVar. Functional studies have not been performed, and in silico predictions of the variant's effect on protein function are inconclusive. The evidence is insufficient to meet ACMG/AMP criteria for classifying the variant as benign or pathogenic. Thus, the clinical significance of this variant is currently uncertain.